The following is an entry in ClinVar:

ClinVar aggregate classification (germline): Uncertain significance. Review status: criteria provided, multiple submitters, no conflicts (2 of 4 stars). 2 submissions from 2 submitters: Uncertain significance (2). Last evaluated 2025-01-21.

Conditions:
Monocytopenia with susceptibility to infections. Also called: GATA2 DEFICIENCY; MONOCYTOPENIA AND MYCOBACTERIAL INFECTION SYNDROME; MONOCYTOPENIA WITH SUSCEPTIBILITY TO MYCOBACTERIAL, FUNGAL, AND PAPILLOMAVIRUS INFECTIONS AND MYELODYSPLASIA; COMBINED IMMUNODEFICIENCY WITH SUSCEPTIBILITY TO MYCOBACTERIAL, VIRAL, AND FUNGAL INFECTIONS; Dendritic cell, monocyte, B lymphocyte, and natural killer lymphocyte deficiency; IMMUNODEFICIENCY 21. Identifiers: Orphanet 228423, MedGen C3280030, MONDO:0013607, OMIM 614172.
Deafness-lymphedema-leukemia syndrome. Also called: Lymphedema, primary, with myelodysplasia; Emberger syndrome. Identifiers: Orphanet 3226, MedGen C3279664, MONDO:0013540, OMIM 614038.
Inborn genetic diseases. Identifiers: MedGen C0950123, MeSH D030342.

Allele frequency attached by ClinVar (database versions not stated): TOPMed below 0.00001; ExAC 0.00001; gnomAD exomes 0.00001; ESP Exome Variant Server 0.00008.
gnomAD v4.1: 6 of 1,611,468 alleles (0.00037%); highest among the groups gnomAD compares: East Asian, 0.0022%; no homozygotes.

Submissions (2):

Ambry Genetics
Classification: Uncertain significance for Inborn genetic diseases. Last evaluated: 2025-01-21. Review status: criteria provided, single submitter. Criteria: Ambry Variant Classification Scheme 2023. Collection method: clinical testing. Allele origin: germline.
Comment: The p.A64T variant (also known as c.190G>A), located in coding exon 1 of the GATA2 gene, results from a G to A substitution at nucleotide position 190. The alanine at codon 64 is replaced by threonine, an amino acid with similar properties. This amino acid position is conserved. In addition, the in silico prediction for this alteration is inconclusive. Based on the available evidence, the clinical significance of this variant remains unclear.

Labcorp Genetics (formerly Invitae), Labcorp
Classification: Uncertain significance for Monocytopenia with susceptibility to infections; Deafness-lymphedema-leukemia syndrome. Last evaluated: 2024-01-26. Review status: criteria provided, single submitter. Criteria: Invitae Variant Classification Sherloc (09022015). Collection method: clinical testing. Allele origin: germline.
Comment: This sequence change replaces alanine, which is neutral and non-polar, with threonine, which is neutral and polar, at codon 64 of the GATA2 protein (p.Ala64Thr). The frequency data for this variant in the population databases is considered unreliable, as metrics indicate poor data quality at this position in the gnomAD database. This variant has not been reported in the literature in individuals affected with GATA2-related conditions. ClinVar contains an entry for this variant (Variation ID: 1420753). Advanced modeling of protein sequence and biophysical properties (such as structural, functional, and spatial information, amino acid conservation, physicochemical variation, residue mobility, and thermodynamic stability) performed at Invitae indicates that this missense variant is not expected to disrupt GATA2 protein function with a negative predictive value of 95%. In summary, the available evidence is currently insufficient to determine the role of this variant in disease. Therefore, it has been classified as a Variant of Uncertain Significance.

NM_032638.5(GATA2):c.190G>A (p.Ala64Thr)

Gene: GATA2 (GATA binding protein 2; minus strand). Cytogenetic location: 3q21.3.
Variant type: single nucleotide variant.
Coding change: c.190G>A on transcript NM_032638.5 (MANE Select); coding-DNA position 190, G replaced by A.
Protein change: p.Ala64Thr; replaces alanine 64 with threonine.
Molecular consequence: missense variant.
Genome position (GRCh38, 1-based): chr3:128,486,842, C>T on the plus strand (G>A on the coding strand, the complement: GATA2 is on the minus strand). VCF-style: chr3-128486842-C-T. GRCh37 (hg19) VCF-style: chr3-128205685-C-T.
Other names: c.190G>A, p.Ala64Thr (NM_001145661.2, NM_001145662.1); c.190G>A (NM_032638.4); short protein forms A64T.
Identifiers: ClinVar variation 1420753 (VCV001420753.9), dbSNP rs370831063, ClinGen allele CA2600085.